The following is an entry in ClinVar:

NM_139343.3(BIN1):c.1460C>G (p.Ser487Cys)

Gene: BIN1 (bridging integrator 1; minus strand). Cytogenetic location: 2q14.3.
Variant type: single nucleotide variant.
Coding change: c.1460C>G on transcript NM_139343.3 (MANE Select); coding-DNA position 1460, C replaced by G.
Protein change: p.Ser487Cys; replaces serine 487 with cysteine.
Molecular consequence: missense variant. On other transcripts: intron variant (3).
Genome position (GRCh38, 1-based): chr2:127,051,155, G>C on the plus strand (C>G on the coding strand, the complement: BIN1 is on the minus strand). VCF-style: chr2-127051155-G-C. GRCh37 (hg19) VCF-style: chr2-127808731-G-C.
Other names: c.1091C>G, p.Ser364Cys (NM_001320633.2); c.1220C>G, p.Ser407Cys (NM_001320640.2); c.1367C>G, p.Ser456Cys (NM_001320641.2); c.1379C>G, p.Ser460Cys (NM_001320642.1); c.1043C>G, p.Ser348Cys (NM_004305.4); c.1331C>G, p.Ser444Cys (NM_139344.3); c.1199C>G, p.Ser400Cys (NM_139345.3); c.1172C>G, p.Ser391Cys (NM_139346.3); and 7 more; short protein forms S333C, S376C, S456C, S460C, S391C, S407C, S412C, S364C.
Identifiers: ClinVar variation 848813 (VCV000848813.9), dbSNP rs1342661066, ClinGen allele CA348375494.

ClinVar aggregate classification (germline): Uncertain significance (1 of 4 stars; one submission).

Conditions:
Myopathy, centronuclear, 2 (CNM2). Also called: MYOTUBULAR MYOPATHY, AUTOSOMAL RECESSIVE. Identifiers: Orphanet 169186, MedGen CN031787, MONDO:0009709, OMIM 255200.

Allele frequency attached by ClinVar (database versions not stated): gnomAD 0.00003.
gnomAD v4.1: 10 of 1,613,382 alleles (0.00062%); highest among the groups gnomAD compares: Non-Finnish European, 0.00085%; no homozygotes.

Submission:

Labcorp Genetics (formerly Invitae), Labcorp
Classification: Uncertain significance for Myopathy, centronuclear, 2. Last evaluated: 2021-07-13. Review status: criteria provided, single submitter. Criteria: Invitae Variant Classification Sherloc (09022015). Collection method: clinical testing. Allele origin: germline.
Comment: Algorithms developed to predict the effect of missense changes on protein structure and function do not agree on the potential impact of this missense change (SIFT: "Tolerated"; PolyPhen-2: "Possibly Damaging"; Align-GVGD: "Class C0"). This sequence change replaces serine with cysteine at codon 487 of the BIN1 protein (p.Ser487Cys). The serine residue is moderately conserved and there is a moderate physicochemical difference between serine and cysteine. This variant is not present in population databases (ExAC no frequency). This variant has not been reported in the literature in individuals with BIN1-related disease. In summary, the available evidence is currently insufficient to determine the role of this variant in disease. Therefore, it has been classified as a Variant of Uncertain Significance.